The following is an entry in ClinVar:

NM_000548.5(TSC2):c.4302C>G (p.Gly1434=)

Gene: TSC2 (TSC complex subunit 2; plus strand). Cytogenetic location: 16p13.3.
Variant type: single nucleotide variant.
Coding change: c.4302C>G on transcript NM_000548.5 (MANE Select); coding-DNA position 4302, C replaced by G.
Protein change: p.Gly1434=; no amino-acid change (glycine 1434 retained).
Molecular consequence: synonymous variant. On other transcripts: non-coding transcript variant (5).
Genome position (GRCh38, 1-based): chr16:2,084,524, C>G. VCF-style: chr16-2084524-C-G. GRCh37 (hg19) VCF-style: chr16-2134525-C-G.
Other names: c.4101C>G, p.Gly1367= (NM_001077183.3); c.4233C>G, p.Gly1411= (NM_001114382.3); c.3993C>G, p.Gly1331= (NM_001318827.2); c.3957C>G, p.Gly1319= (NM_001318829.2); c.3570C>G, p.Gly1190= (NM_001318831.2); c.4134C>G, p.Gly1378= (NM_001318832.2); c.4104C>G, p.Gly1368= (NM_001363528.2); c.4170C>G, p.Gly1390= (NM_001370404.1); and 26 more.
Identifiers: ClinVar variation 2762907 (VCV002762907.4), dbSNP rs137854000, ClinGen allele CA493043427.
Genomic context (GRCh38, chr16:2,084,524, plus strand): 5'-TAAGGCCCGGTCACAGTCAGGGACCCTGGACGGGGAAAGTGCTGCCTGGTCGGCCTCGGG[C>G]GAAGACAGTCGGGGCCAGCCCGAGGGTCCCTTGCCTTCCAGCTCCCCCCGCTCGCCCAGT-3'
Protein context (NP_000539.2, residues 1424-1444): DGESAAWSAS[Gly1434=]EDSRGQPEGP

ClinVar aggregate classification (germline): Benign/Likely benign. Review status: criteria provided, multiple submitters, no conflicts (2 of 4 stars). 2 submissions from 2 submitters: Benign (1); Likely benign (1). Last evaluated 2025-06-03.

Conditions:
Tuberous sclerosis 2 (TSC2). Identifiers: Orphanet 805, MedGen C1860707, MONDO:0013199, OMIM 613254.

Submissions (2):

Myriad Genetics, Inc.
Classification: Benign for Tuberous sclerosis 2. Last evaluated: 2025-06-03. Review status: criteria provided, single submitter. Criteria: Myriad Autosomal Dominant, Autosomal Recessive and X-Linked Classification Criteria (2023). Collection method: clinical testing. Allele origin: unknown.
Comment: This variant is considered benign. This variant is a silent/synonymous amino acid change and it is not expected to impact splicing.

Labcorp Genetics (formerly Invitae), Labcorp
Classification: Likely benign for Tuberous sclerosis 2. Last evaluated: 2023-09-23. Review status: criteria provided, single submitter. Criteria: Invitae Variant Classification Sherloc (09022015). Collection method: clinical testing. Allele origin: germline.